The following is an entry in ClinVar:

NM_182961.4(SYNE1):c.7878C>A (p.His2626Gln)

Gene: SYNE1 (spectrin repeat containing nuclear envelope protein 1; minus strand). Cytogenetic location: 6q25.2.
Variant type: single nucleotide variant.
Coding change: c.7878C>A on transcript NM_182961.4 (MANE Select); coding-DNA position 7878, C replaced by A.
Protein change: p.His2626Gln; replaces histidine 2626 with glutamine.
Molecular consequence: missense variant.
Genome position (GRCh38, 1-based): chr6:152,391,403, G>T on the plus strand (C>A on the coding strand, the complement: SYNE1 is on the minus strand). VCF-style: chr6-152391403-G-T. GRCh37 (hg19) VCF-style: chr6-152712538-G-T.
Other names: c.7899C>A, p.His2633Gln (NM_033071.5); short protein forms H2626Q, H2633Q.
Identifiers: ClinVar variation 2048204 (VCV002048204.2), dbSNP rs138196409, ClinGen allele CA4057674.
Genomic context (GRCh38, chr6:152,391,403, plus strand): 5'-TCTGTCCTGAATGGCCTTCACCCAGAACCACATGCTTTGCAGTGCTTCCTCCAGGGCTTC[G>T]TGCTCCTGAAGGGCCACCTGGCAGCTCCGGAGTTTCTCTTTGGTCATTCTAAGTAGGTTC-3'
Protein context (NP_892006.3, residues 2616-2636): LRSCQVALQE[His2626Gln]EALEEALQSM

ClinVar aggregate classification (germline): Uncertain significance. Review status: criteria provided, multiple submitters, no conflicts (2 of 4 stars). 2 submissions from 2 submitters: Uncertain significance (2). Last evaluated 2022-05-08.

Conditions:
Autosomal recessive ataxia, Beauce type. Also called: Spinocerebellar ataxia, autosomal recessive 8; ATAXIA, RECESSIVE, OF BEAUCE; SYNE1-Related Autosomal Recessive Cerebellar Ataxia; SYNE1 Deficiency. Identifiers: Orphanet 88644, MedGen C1853116, MONDO:0012549, OMIM 610743.
Emery-Dreifuss muscular dystrophy 4, autosomal dominant (EDMD4). Also called: EMERY-DREIFUSS MUSCULAR DYSTROPHY 4 WITH VARIABLE FEATURES. Identifiers: Orphanet 261, MedGen C2751807, MONDO:0013071, OMIM 612998.

Allele frequency attached by ClinVar (database versions not stated): 1000 Genomes Project 30x 0.00031; 1000 Genomes Project 0.00040.
gnomAD v4.1: 92 of 1,613,858 alleles (0.0057%); highest among the groups gnomAD compares: South Asian, 0.097%; 1 homozygote.

Submissions (2):

Labcorp Genetics (formerly Invitae), Labcorp
Classification: Uncertain significance for Emery-Dreifuss muscular dystrophy 4, autosomal dominant; Autosomal recessive ataxia, Beauce type. Last evaluated: 2022-05-08. Review status: criteria provided, single submitter. Criteria: Invitae Variant Classification Sherloc (09022015). Collection method: clinical testing. Allele origin: germline.
Comment: This sequence change replaces histidine, which is basic and polar, with glutamine, which is neutral and polar, at codon 2633 of the SYNE1 protein (p.His2633Gln). This variant is present in population databases (rs138196409, gnomAD 0.08%). This variant has not been reported in the literature in individuals affected with SYNE1-related conditions. Algorithms developed to predict the effect of missense changes on protein structure and function are either unavailable or do not agree on the potential impact of this missense change (SIFT: "Deleterious"; PolyPhen-2: "Benign"; Align-GVGD: "Class C15"). In summary, the available evidence is currently insufficient to determine the role of this variant in disease. Therefore, it has been classified as a Variant of Uncertain Significance.

Blueprint Genetics
Classification: Uncertain significance. Last evaluated: 2021-05-07. Review status: criteria provided, single submitter. Criteria: ACMG Guidelines, 2015. Collection method: clinical testing. Allele origin: germline.